The following is an entry in ClinVar:

NM_000520.6(HEXA):c.1490A>G (p.Tyr497Cys)

Gene: HEXA (hexosaminidase subunit alpha; minus strand). Cytogenetic location: 15q23.
Variant type: single nucleotide variant.
Coding change: c.1490A>G on transcript NM_000520.6 (MANE Select); coding-DNA position 1490, A replaced by G.
Protein change: p.Tyr497Cys; replaces tyrosine 497 with cysteine.
Molecular consequence: missense variant. On other transcripts: non-coding transcript variant (1).
Genome position (GRCh38, 1-based): chr15:72,345,482, T>C on the plus strand (A>G on the coding strand, the complement: HEXA is on the minus strand). VCF-style: chr15-72345482-T-C. GRCh37 (hg19) VCF-style: chr15-72637823-T-C.
Other names: p.Tyr497Cys; c.1523A>G, p.Tyr508Cys (NM_001318825.2); short protein forms Y497C, Y508C.
Identifiers: ClinVar variation 445397 (VCV000445397.40), dbSNP rs147502219, ClinGen allele CA7644665.

ClinVar aggregate classification (germline): Uncertain significance. Review status: criteria provided, multiple submitters, no conflicts (2 of 4 stars). 10 submissions from 10 submitters: Uncertain significance (6). 4 of the submissions do not count toward it. Last evaluated 2026-06-15.

Conditions:
Tay-Sachs disease (TSD). Also called: GM2 gangliosidosis, type 1; Hexosaminidase alpha-subunit deficiency (variant B); Sphingolipidosis, Tay-Sachs; HEXA DEFICIENCY; Hexosaminidase A Deficiency; HEXA Disorders. Identifiers: Orphanet 845, MedGen C0039373, MONDO:0010100, OMIM 272800.

Allele frequency attached by ClinVar (database versions not stated): ExAC 0.00006; gnomAD 0.00007; TOPMed 0.00009; ESP Exome Variant Server 0.00023.
gnomAD v4.1: 196 of 1,614,128 alleles (0.012%); highest among the groups gnomAD compares: Non-Finnish European, 0.015%; no homozygotes.

Submissions (10):

Women's Health and Genetics/Laboratory Corporation of America, LabCorp
Classification: Uncertain significance. Last evaluated: 2026-06-15. Review status: criteria provided, single submitter. Criteria: LabCorp Variant Classification Summary - May 2015. Collection method: clinical testing. Allele origin: germline.
Comment: Variant summary: HEXA c.1490A>G (p.Tyr497Cys) results in a non-conservative amino acid change in the encoded protein sequence. Algorithms developed to predict the effect of missense changes on protein structure and function are either unavailable or do not agree on the potential impact of this missense change. The variant allele was found at a frequency of 0.00012 in 1607132 control chromosomes, predominantly at a frequency of 0.00015 within the Non-Finnish European subpopulation in the gnomAD database. This frequency is not significantly higher than estimated for disease-causing variants in HEXA, allowing no conclusion about variant significance. The variant, c.1490A>G, has been observed in individuals affected with HEXA-related conditions, but was also found in controls (Chin_2009, Robak_2017). These reports do not provide unequivocal conclusions about association of the variant with disease. To our knowledge, no experimental evidence demonstrating an impact on protein function has been reported. The following publications have been ascertained in the context of this evaluation (PMID: 19644708, 29140481, 31367523). ClinVar contains an entry for this variant (Variation ID: 445397). Based on the evidence outlined above, the variant was classified as uncertain significance.

Mayo Clinic Laboratories, Mayo Clinic
Classification: Uncertain significance. Last evaluated: 2025-10-24. Review status: criteria provided, single submitter. Criteria: ACMG Guidelines, 2015. Collection method: clinical testing. Allele origin: germline. Observed: 1 variant allele.
Comment: PM2_supporting

CeGaT Center for Human Genetics Tuebingen
Classification: Uncertain significance. Last evaluated: 2023-01-01. Review status: criteria provided, single submitter. Criteria: CeGaT Center For Human Genetics Tuebingen Variant Classification Criteria Version 2. Collection method: clinical testing. Allele origin: germline. Affected: yes. Observed: 1 variant allele.
Comment: HEXA: PM2

Labcorp Genetics (formerly Invitae), Labcorp
Classification: Uncertain significance for Tay-Sachs disease. Last evaluated: 2022-10-26. Review status: criteria provided, single submitter. Criteria: Invitae Variant Classification Sherloc (09022015). Collection method: clinical testing. Allele origin: germline.
Comment: This sequence change replaces tyrosine, which is neutral and polar, with cysteine, which is neutral and slightly polar, at codon 497 of the HEXA protein (p.Tyr497Cys). This variant is present in population databases (rs147502219, gnomAD 0.009%). This missense change has been observed in individual(s) with clinical features of HEXA-related conditions (PMID: 19644708). ClinVar contains an entry for this variant (Variation ID: 445397). Advanced modeling of protein sequence and biophysical properties (such as structural, functional, and spatial information, amino acid conservation, physicochemical variation, residue mobility, and thermodynamic stability) performed at Invitae indicates that this missense variant is expected to disrupt HEXA protein function. In summary, the available evidence is currently insufficient to determine the role of this variant in disease. Therefore, it has been classified as a Variant of Uncertain Significance.

GeneDx
Classification: Uncertain significance. Last evaluated: 2022-05-18. Review status: criteria provided, single submitter. Criteria: GeneDx Variant Classification Process June 2021. Collection method: clinical testing. Allele origin: germline. Affected: yes.
Comment: Reported in association with Tay-Sachs disease in the published literature, although clinical information, zygosity, and familial segregation information were not included (Chin et al., 2009); Not observed at significant frequency in large population cohorts (gnomAD); In silico analysis supports that this missense variant has a deleterious effect on protein structure/function; This variant is associated with the following publications: (PMID: 31367523, 19644708)

Center for Pediatric Genomic Medicine, Children's Mercy Hospital and Clinics
Classification: Uncertain significance. Last evaluated: 2017-09-05. Review status: criteria provided, single submitter. Criteria: ACMG Guidelines, 2015. Collection method: clinical testing. Allele origin: germline.

Natera, Inc.
Classification: Uncertain significance for Tay-Sachs disease. Last evaluated: 2018-09-16. Review status: no assertion criteria provided. Collection method: clinical testing. Allele origin: germline. Not counted in ClinVar's aggregate classification.

Counsyl
Classification: Uncertain significance for Tay-Sachs disease. Last evaluated: 2017-11-14. Review status: no assertion criteria provided. Collection method: clinical testing. Allele origin: unknown. Not counted in ClinVar's aggregate classification.

Clinical Genetics DNA and cytogenetics Diagnostics Lab, Erasmus MC, Erasmus Medical Center
Classification: Uncertain significance. Review status: no assertion criteria provided. Collection method: clinical testing. Allele origin: germline. Affected: yes. Study: VKGL Data-share Consensus. Not counted in ClinVar's aggregate classification.

Diagnostic Laboratory, Department of Genetics, University Medical Center Groningen
Classification: Uncertain significance. Review status: no assertion criteria provided. Collection method: clinical testing. Allele origin: germline. Affected: yes. Study: VKGL Data-share Consensus. Not counted in ClinVar's aggregate classification.

Literature cited by the submitters: PubMed 19644708 (cited by 3 submitters); PubMed 29140481 (cited by Women's Health and Genetics/Laboratory Corporation of America, LabCorp); PubMed 31367523 (cited by Women's Health and Genetics/Laboratory Corporation of America, LabCorp and Mayo Clinic Laboratories, Mayo Clinic); PubMed 22723944 (cited by Mayo Clinic Laboratories, Mayo Clinic).